The following is an entry in ClinVar:

NM_005422.4(TECTA):c.6034G>A (p.Glu2012Lys)

Genes: TBCEL-TECTA (TBCEL-TECTA readthrough; plus strand), TECTA (tectorin alpha; plus strand). Cytogenetic location: 11q23.3.
Variant type: single nucleotide variant.
Coding change: c.6034G>A on transcript NM_005422.4 (MANE Select); coding-DNA position 6034, G replaced by A.
Protein change: p.Glu2012Lys; replaces glutamic acid 2012 with lysine.
Molecular consequence: missense variant.
Genome position (GRCh38, 1-based): chr11:121,187,866, G>A. VCF-style: chr11-121187866-G-A. GRCh37 (hg19) VCF-style: chr11-121058575-G-A.
Other names: c.6976G>A, p.Glu2326Lys (NM_001378761.1); short protein forms E2326K, E2012K.
Identifiers: ClinVar variation 3325224 (VCV003325224.4).

ClinVar aggregate classification (germline): Uncertain significance. Review status: criteria provided, multiple submitters, no conflicts (2 of 4 stars). 3 submissions from 3 submitters: Uncertain significance (3). Last evaluated 2026-04-09.

Conditions:
Inborn genetic diseases. Identifiers: MedGen C0950123, MeSH D030342.
TECTA-related disorder. Also called: TECTA-related condition.

gnomAD v4.1: 176 of 1,614,210 alleles (0.011%); highest among the groups gnomAD compares: East Asian, 0.02%; no homozygotes.

Submissions (3):

PreventionGenetics, part of Exact Sciences
Classification: Uncertain significance for TECTA-related condition. Last evaluated: 2026-04-09. Review status: criteria provided, single submitter. Criteria: ACMG Guidelines, 2015. Collection method: clinical testing. Allele origin: germline.
Comment: The TECTA c.6034G>A variant is predicted to result in the amino acid substitution p.Glu2012Lys. To our knowledge, this variant has not been reported in the literature. This variant is reported in 0.025% of alleles in individuals of East Asian descent in gnomAD. At this time, the clinical significance of this variant is uncertain due to the absence of conclusive functional and genetic evidence.

GeneDx
Classification: Uncertain significance. Last evaluated: 2025-10-28. Review status: criteria provided, single submitter. Criteria: GeneDx Variant Classification Process June 2021. Collection method: clinical testing. Allele origin: germline.
Comment: In silico analysis suggests that this missense variant does not alter protein structure/function; Has not been previously published as pathogenic or benign to our knowledge; This variant is associated with the following publications: (PMID: 21520338, 31554319, 9590290, 16718611)

Ambry Genetics
Classification: Uncertain significance for Inborn genetic diseases. Last evaluated: 2024-03-31. Review status: criteria provided, single submitter. Criteria: Ambry Variant Classification Scheme 2023. Collection method: clinical testing. Allele origin: germline.